The following is an entry in ClinVar:

ClinVar aggregate classification (germline): Pathogenic (1 of 4 stars; one submission).

Conditions:
Neuronal ceroid lipofuscinosis 8 (CLN8). Also called: CLN8-Related Neuronal Ceroid-Lipofuscinosis. Identifiers: Orphanet 168491, Orphanet 228354, Orphanet 79264, MedGen C1838570, MONDO:0010830, OMIM 600143.

Submission:

Women's Health and Genetics/Laboratory Corporation of America, LabCorp
Classification: Pathogenic for Neuronal ceroid lipofuscinosis 8. Last evaluated: 2025-03-25. Review status: criteria provided, single submitter. Criteria: LabCorp Variant Classification Summary - May 2015. Collection method: clinical testing. Allele origin: germline.
Comment: Variant summary: The variant involves the deletion of exons 1-3 in the CLN8 gene. This deletion includes the entire coding sequence of the gene. As the exact proximal and distal breakpoints are unknown, it may extend beyond the annotated region of the gene to include other flanking genes. A presumed nomenclature of c.(?_-221)_(*6004_?)del has been designated for the purposes of this classification. The variant was absent in 21344 control chromosomes. c.(?_-221)_(*6004_?)del has been reported in the literature in individuals affected with Epilepsy (example:Truty_2019). The following publication has been ascertained in the context of this evaluation (PMID: 31440721). ClinVar contains an entry for this variant (Variation ID: 647473). Based on the evidence outlined above, the variant was classified as pathogenic.

Literature cited by the submitters: PubMed 31440721.

NC_000008.10:g.(?_1711954)_(1734737_?)del

Gene: CLN8 (CLN8 transmembrane ER and ERGIC protein; plus strand). Cytogenetic location: 8p23.3.
Variant type: Deletion.
Identifiers: ClinVar variation 3895973 (VCV003895973.1).